The following is an entry in ClinVar:

ClinVar aggregate classification (germline): Uncertain significance (1 of 4 stars; one submission).

Conditions:
Dilated Cardiomyopathy, Recessive.

Submission:

Labcorp Genetics (formerly Invitae), Labcorp
Classification: Uncertain significance. Last evaluated: 2022-02-23. Review status: criteria provided, single submitter. Criteria: Invitae Variant Classification Sherloc (09022015). Collection method: clinical testing. Allele origin: germline.
Comment: This sequence change falls in intron 15 of the PLEKHM2 gene. It does not directly change the encoded amino acid sequence of the PLEKHM2 protein. This variant is not present in population databases (gnomAD no frequency). This variant has not been reported in the literature in individuals affected with PLEKHM2-related conditions. Algorithms developed to predict the effect of sequence changes on RNA splicing suggest that this variant may disrupt the consensus splice site. In summary, the available evidence is currently insufficient to determine the role of this variant in disease. Therefore, it has been classified as a Variant of Uncertain Significance.

NM_015164.4(PLEKHM2):c.2400-12G>T

Gene: PLEKHM2 (pleckstrin homology and RUN domain containing M2; plus strand). Cytogenetic location: 1p36.21.
Variant type: single nucleotide variant.
Coding change: c.2400-12G>T on transcript NM_015164.4 (MANE Select); 12 bases into the intron before coding-DNA position 2400, G replaced by T.
Molecular consequence: intron variant.
Genome position (GRCh38, 1-based): chr1:15,731,180, G>T. VCF-style: chr1-15731180-G-T. GRCh37 (hg19) VCF-style: chr1-16057675-G-T.
Identifiers: ClinVar variation 1925583 (VCV001925583.4), dbSNP rs2522469253, ClinGen allele CA2580060590.